The following is an entry in ClinVar:

NM_000153.4(GALC):c.1355_1356insTATAAGAGACAGT (p.Ser453fs)

Gene: GALC (galactosylceramidase; minus strand). Cytogenetic location: 14q31.3.
Variant type: Insertion.
Coding change: c.1355_1356insTATAAGAGACAGT on transcript NM_000153.4 (MANE Select); coding-DNA positions 1355 to 1356, TATAAGAGACAGT inserted.
Protein change: p.Ser453fs; shifts the reading frame from serine 453.
Molecular consequence: frameshift variant. On other transcripts: non-coding transcript variant (1).
Genome position: GRCh38 VCF-style: chr14-87947861-G-GACTGTCTCTTATA. GRCh37 (hg19) VCF-style: chr14-88414205-G-GACTGTCTCTTATA.
Other names: c.1286_1287insTATAAGAGACAGT, p.Ser430fs (NM_001201401.2); c.1277_1278insTATAAGAGACAGT, p.Ser427fs (NM_001201402.2); c.1187_1188insTATAAGAGACAGT, p.Ser397fs (NM_001424071.1, NM_001424072.1, NM_001424073.1); c.1007_1008insTATAAGAGACAGT, p.Ser337fs (NM_001424074.1, NM_001424075.1); c.722_723insTATAAGAGACAGT, p.Ser242fs (NM_001424076.1, NM_001424077.1); short protein forms S242fs, S337fs, S397fs, S427fs, S430fs, S453fs.
Identifiers: ClinVar variation 5011366 (VCV005011366.1).

ClinVar aggregate classification (germline): Pathogenic (1 of 4 stars; one submission).

Conditions:
Galactosylceramide beta-galactosidase deficiency. Also called: GALACTOCEREBROSIDASE DEFICIENCY; GALC DEFICIENCY; GLOBOID CELL LEUKOENCEPHALOPATHY; Leukodystrophy, Globoid Cell; Krabbe Disease. Identifiers: Orphanet 487, MedGen C0023521, MONDO:0009499, OMIM 245200.

Submission:

Myriad Genetics, Inc.
Classification: Pathogenic for Galactosylceramide beta-galactosidase deficiency. Last evaluated: 2023-08-17. Review status: criteria provided, single submitter. Criteria: Myriad Autosomal Dominant, Autosomal Recessive and X-Linked Classification Criteria (2023). Collection method: clinical testing. Allele origin: unknown.
Comment: NM_000153.3(GALC):c.1355_1356ins13(S453Ifs*12) is expected to be pathogenic in the context of Krabbe disease. This variant is predicted to lead to an abnormal or absent protein product due to the creation of a premature termination codon in GALC, a gene where loss-of-function variants are known to be pathogenic. Please note: this variant was assessed in the context of healthy population screening.